The following is an entry in ClinVar:

NM_173628.4(DNAH17):c.10883G>A (p.Ser3628Asn)

Gene: DNAH17 (dynein axonemal heavy chain 17; minus strand). Cytogenetic location: 17q25.3.
Variant type: single nucleotide variant.
Coding change: c.10883G>A on transcript NM_173628.4 (MANE Select); coding-DNA position 10883, G replaced by A.
Protein change: p.Ser3628Asn; replaces serine 3628 with asparagine.
Molecular consequence: missense variant.
Genome position (GRCh38, 1-based): chr17:78,450,698, C>T on the plus strand (G>A on the coding strand, the complement: DNAH17 is on the minus strand). VCF-style: chr17-78450698-C-T. GRCh37 (hg19) VCF-style: chr17-76446780-C-T.
Other names: short protein forms S3628N.
Identifiers: ClinVar variation 3771770 (VCV003771770.13).

ClinVar aggregate classification (germline): Uncertain significance (1 of 4 stars; one submission).

gnomAD v4.1: 12 of 1,613,548 alleles (0.00074%); highest among the groups gnomAD compares: Middle Eastern, 0.017%; no homozygotes.

Submission:

CeGaT Center for Human Genetics Tuebingen
Classification: Uncertain significance. Last evaluated: 2025-01-01. Review status: criteria provided, single submitter. Criteria: CeGaT Center For Human Genetics Tuebingen Variant Classification Criteria Version 2. Collection method: clinical testing. Allele origin: germline. Affected: yes. Observed: 1 variant allele.
Comment: DNAH17: PM2, BP4